The following is an entry in ClinVar:

ClinVar aggregate classification (germline): Uncertain significance (1 of 4 stars; one submission).

Conditions:
Dyskeratosis congenita, autosomal recessive 5 (DKCB5). Identifiers: MedGen C3554656, MONDO:0014076, OMIM 615190.
Pulmonary fibrosis and/or bone marrow failure, Telomere-related, 3. Also called: PULMONARY FIBROSIS AND/OR BONE MARROW FAILURE SYNDROME, TELOMERE-RELATED, 3. Identifiers: Orphanet 2032, MedGen C4225346, MONDO:0014613, OMIM 616373.

gnomAD v4.1: 1 of 1,611,960 alleles (0.000062%); highest among the groups gnomAD compares: East Asian, 0.0022%; no homozygotes.

Submission:

Labcorp Genetics (formerly Invitae), Labcorp
Classification: Uncertain significance for Dyskeratosis congenita, autosomal recessive 5; Pulmonary fibrosis and/or bone marrow failure, Telomere-related, 3. Last evaluated: 2022-10-19. Review status: criteria provided, single submitter. Criteria: Invitae Variant Classification Sherloc (09022015). Collection method: clinical testing. Allele origin: germline.
Comment: This sequence change replaces arginine, which is basic and polar, with leucine, which is neutral and non-polar, at codon 986 of the RTEL1 protein (p.Arg986Leu). The frequency data for this variant in the population databases is considered unreliable, as metrics indicate poor data quality at this position in the gnomAD database. This variant has not been reported in the literature in individuals affected with RTEL1-related conditions. Algorithms developed to predict the effect of missense changes on protein structure and function output the following: SIFT: "Tolerated"; PolyPhen-2: "Benign"; Align-GVGD: "Class C0". The leucine amino acid residue is found in multiple mammalian species, which suggests that this missense change does not adversely affect protein function. In summary, the available evidence is currently insufficient to determine the role of this variant in disease. Therefore, it has been classified as a Variant of Uncertain Significance.

NM_001283009.2(RTEL1):c.2957G>T (p.Arg986Leu)

Genes: RTEL1 (regulator of telomere elongation helicase 1; plus strand), RTEL1-TNFRSF6B (RTEL1-TNFRSF6B readthrough (NMD candidate); plus strand). Cytogenetic location: 20q13.33.
Variant type: single nucleotide variant.
Coding change: c.2957G>T on transcript NM_001283009.2 (MANE Select); coding-DNA position 2957, G replaced by T.
Protein change: p.Arg986Leu; replaces arginine 986 with leucine.
Molecular consequence: missense variant. On other transcripts: non-coding transcript variant (1).
Genome position (GRCh38, 1-based): chr20:63,693,248, G>T. VCF-style: chr20-63693248-G-T. GRCh37 (hg19) VCF-style: chr20-62324601-G-T.
Other names: c.2288G>T, p.Arg763Leu (NM_001283010.1); c.2957G>T, p.Arg986Leu (NM_016434.4); c.3029G>T, p.Arg1010Leu (NM_032957.5); short protein forms R1010L, R763L, R986L.
Identifiers: ClinVar variation 2169164 (VCV002169164.1), dbSNP rs146221660, ClinGen allele CA9965673.